The following is an entry in ClinVar:

NM_001136191.3(KANK2):c.971C>T (p.Pro324Leu)

Gene: KANK2 (KN motif and ankyrin repeat domains 2; minus strand). Cytogenetic location: 19p13.2.
Variant type: single nucleotide variant.
Coding change: c.971C>T on transcript NM_001136191.3 (MANE Select); coding-DNA position 971, C replaced by T.
Protein change: p.Pro324Leu; replaces proline 324 with leucine.
Molecular consequence: missense variant.
Genome position (GRCh38, 1-based): chr19:11,193,109, G>A on the plus strand (C>T on the coding strand, the complement: KANK2 is on the minus strand). VCF-style: chr19-11193109-G-A. GRCh37 (hg19) VCF-style: chr19-11303785-G-A.
Other names: c.971C>T, p.Pro324Leu (NM_001329451.2, NM_001379548.1, NM_001379549.1 and 15 more transcripts); short protein forms P324L.
Identifiers: ClinVar variation 1983979 (VCV001983979.6), dbSNP rs113239163, ClinGen allele CA9205931.
Genomic context (GRCh38, chr19:11,193,109, plus strand): 5'-CTGGCCACCACCTCCACCTCCCGTGGCCCTTCTACCACCCGGACTGTATCCACGCGGACC[G>A]GGCTGTCCGGCGGTGGCCAGGCCTGGGGCTGGGGGTCAGCCTGCCGGGCCTGAGCTGCCT-3'
Protein context (NP_001129663.1, residues 314-334): QPQAWPPPDS[Pro324Leu]VRVDTVRVVE

ClinVar aggregate classification (germline): Uncertain significance. Review status: criteria provided, multiple submitters, no conflicts (2 of 4 stars). 3 submissions from 3 submitters: Uncertain significance (3). Last evaluated 2025-07-29.

Allele frequency attached by ClinVar (database versions not stated): gnomAD exomes 0.00006; ExAC 0.00010; 1000 Genomes Project 30x 0.00031; 1000 Genomes Project 0.00040.
gnomAD v4.1: 132 of 1,606,002 alleles (0.0082%); highest among the groups gnomAD compares: Middle Eastern, 0.32%; no homozygotes.

Submissions (3):

Labcorp Genetics (formerly Invitae), Labcorp
Classification: Uncertain significance. Last evaluated: 2025-07-29. Review status: criteria provided, single submitter. Criteria: Invitae Variant Classification Sherloc (09022015). Collection method: clinical testing. Allele origin: germline.
Comment: This sequence change replaces proline, which is neutral and non-polar, with leucine, which is neutral and non-polar, at codon 324 of the KANK2 protein (p.Pro324Leu). This variant is present in population databases (rs113239163, gnomAD 0.04%). This variant has not been reported in the literature in individuals affected with KANK2-related conditions. ClinVar contains an entry for this variant (Variation ID: 1983979). An algorithm developed to predict the effect of missense changes on protein structure and function (PolyPhen-2) suggests that this variant is likely to be tolerated. In summary, the available evidence is currently insufficient to determine the role of this variant in disease. Therefore, it has been classified as a Variant of Uncertain Significance.

Blueprint Genetics
Classification: Uncertain significance. Last evaluated: 2024-10-16. Review status: criteria provided, single submitter. Criteria: ACMG Guidelines, 2015. Collection method: clinical testing. Allele origin: germline.

Ambry Genetics
Classification: Uncertain significance. Last evaluated: 2022-06-24. Review status: criteria provided, single submitter. Criteria: Ambry Variant Classification Scheme 2023. Collection method: clinical testing. Allele origin: germline.